The following is an entry in ClinVar:

NM_001457.4(FLNB):c.6728A>C (p.His2243Pro)

Gene: FLNB (filamin B; plus strand). Cytogenetic location: 3p14.3.
Variant type: single nucleotide variant.
Coding change: c.6728A>C on transcript NM_001457.4 (MANE Select); coding-DNA position 6728, A replaced by C.
Protein change: p.His2243Pro; replaces histidine 2243 with proline.
Molecular consequence: missense variant.
Genome position (GRCh38, 1-based): chr3:58,154,884, A>C. VCF-style: chr3-58154884-A-C. GRCh37 (hg19) VCF-style: chr3-58140611-A-C.
Other names: c.6821A>C, p.His2274Pro (NM_001164317.2); c.6695A>C, p.His2232Pro (NM_001164318.2); c.6656A>C, p.His2219Pro (NM_001164319.2); short protein forms H2232P, H2219P, H2274P, H2243P.
Identifiers: ClinVar variation 1932871 (VCV001932871.5), dbSNP rs184329174, ClinGen allele CA353360621.

ClinVar aggregate classification (germline): Uncertain significance (1 of 4 stars; one submission).

gnomAD v4.1: 2 of 1,614,138 alleles (0.00012%); no homozygotes.

Submission:

Labcorp Genetics (formerly Invitae), Labcorp
Classification: Uncertain significance. Last evaluated: 2024-08-18. Review status: criteria provided, single submitter. Criteria: Invitae Variant Classification Sherloc (09022015). Collection method: clinical testing. Allele origin: germline.
Comment: This sequence change replaces histidine, which is basic and polar, with proline, which is neutral and non-polar, at codon 2243 of the FLNB protein (p.His2243Pro). This variant is not present in population databases (gnomAD no frequency). This variant has not been reported in the literature in individuals affected with FLNB-related conditions. ClinVar contains an entry for this variant (Variation ID: 1932871). Invitae Evidence Modeling of protein sequence and biophysical properties (such as structural, functional, and spatial information, amino acid conservation, physicochemical variation, residue mobility, and thermodynamic stability) indicates that this missense variant is not expected to disrupt FLNB protein function with a negative predictive value of 95%. In summary, the available evidence is currently insufficient to determine the role of this variant in disease. Therefore, it has been classified as a Variant of Uncertain Significance.